The following is an entry in ClinVar:

NM_000718.4(CACNA1B):c.108G>T (p.Gly36=)

Genes: CACNA1B (calcium voltage-gated channel subunit alpha1 B; plus strand), CACNA1B-AS2 (CACNA1B antisense RNA 2; minus strand). Cytogenetic location: 9q34.3.
Variant type: single nucleotide variant.
Coding change: c.108G>T on transcript NM_000718.4 (MANE Select); coding-DNA position 108, G replaced by T.
Protein change: p.Gly36=; no amino-acid change (glycine 36 retained).
Molecular consequence: synonymous variant.
Genome position (GRCh38, 1-based): chr9:137,878,041, G>T. VCF-style: chr9-137878041-G-T. GRCh37 (hg19) VCF-style: chr9-140772493-G-T.
Other names: c.108G>T, p.Gly36= (NM_001243812.2).
Identifiers: ClinVar variation 2659844 (VCV002659844.24), dbSNP rs775276054, ClinGen allele CA468161249.

ClinVar aggregate classification (germline): Likely benign (1 of 4 stars; one submission).

Submission:

CeGaT Center for Human Genetics Tuebingen
Classification: Likely benign. Last evaluated: 2023-10-01. Review status: criteria provided, single submitter. Criteria: CeGaT Center For Human Genetics Tuebingen Variant Classification Criteria Version 2. Collection method: clinical testing. Allele origin: germline. Affected: yes. Observed: 1 variant allele.
Comment: CACNA1B: BP4, BP7